The following is an entry in ClinVar:

ClinVar aggregate classification (germline): Uncertain significance (1 of 4 stars; one submission).

Allele frequency attached by ClinVar (database versions not stated): gnomAD exomes below 0.00001.
gnomAD v4.1: 5 of 1,613,920 alleles (0.00031%); highest among the groups gnomAD compares: Non-Finnish European, 0.00034%; no homozygotes.

Submission:

Labcorp Genetics (formerly Invitae), Labcorp
Classification: Uncertain significance. Last evaluated: 2023-04-07. Review status: criteria provided, single submitter. Criteria: Invitae Variant Classification Sherloc (09022015). Collection method: clinical testing. Allele origin: germline.
Comment: This sequence change replaces alanine, which is neutral and non-polar, with valine, which is neutral and non-polar, at codon 397 of the IL2RB protein (p.Ala397Val). This variant is present in population databases (no rsID available, gnomAD 0.0009%). This variant has not been reported in the literature in individuals affected with IL2RB-related conditions. ClinVar contains an entry for this variant (Variation ID: 1015281). An algorithm developed to predict the effect of missense changes on protein structure and function (PolyPhen-2) suggests that this variant is likely to be tolerated. In summary, the available evidence is currently insufficient to determine the role of this variant in disease. Therefore, it has been classified as a Variant of Uncertain Significance.

NM_000878.5(IL2RB):c.1190C>T (p.Ala397Val)

Gene: IL2RB (interleukin 2 receptor subunit beta; minus strand). Cytogenetic location: 22q12.3.
Variant type: single nucleotide variant.
Coding change: c.1190C>T on transcript NM_000878.5 (MANE Select); coding-DNA position 1190, C replaced by T.
Protein change: p.Ala397Val; replaces alanine 397 with valine.
Molecular consequence: missense variant.
Genome position (GRCh38, 1-based): chr22:37,128,562, G>A on the plus strand (C>T on the coding strand, the complement: IL2RB is on the minus strand). VCF-style: chr22-37128562-G-A. GRCh37 (hg19) VCF-style: chr22-37524602-G-A.
Other names: c.1190C>T, p.Ala397Val (NM_001346222.1, NM_001346223.2); short protein forms A397V.
Identifiers: ClinVar variation 1015281 (VCV001015281.8), dbSNP rs1332335364, ClinGen allele CA411425054.
Genomic context (GRCh38, chr22:37,128,562, plus strand): 5'-GCGTCGTCCTCCCCTGACAGAGGCTGCAGGGGTTGGGGGGAAGACCCTGTGGGTGCCCCG[G>A]CCACACCCTCATCAGGGTCTTCCTCTGAGTAGGGGTCGTAAGTAAAGTACACCTGGCAGG-3'
Protein context (NP_000869.1, residues 387-407): YSEEDPDEGV[Ala397Val]GAPTGSSPQP